The following is an entry in ClinVar:

NM_001005242.3(PKP2):c.360A>G (p.Glu120=)

Gene: PKP2 (plakophilin 2; minus strand). Cytogenetic location: 12p11.21.
Variant type: single nucleotide variant.
Coding change: c.360A>G on transcript NM_001005242.3 (MANE Select); coding-DNA position 360, A replaced by G.
Protein change: p.Glu120=; no amino-acid change (glutamic acid 120 retained).
Molecular consequence: synonymous variant.
Genome position (GRCh38, 1-based): chr12:32,878,520, T>C on the plus strand (A>G on the coding strand, the complement: PKP2 is on the minus strand). VCF-style: chr12-32878520-T-C. GRCh37 (hg19) VCF-style: chr12-33031454-T-C.
Other names: c.360A>G, p.Glu120= (NM_004572.4).
Identifiers: ClinVar variation 925443 (VCV000925443.12), dbSNP rs764868621, ClinGen allele CA037059.
Genomic context (GRCh38, chr12:32,878,520, plus strand): 5'-GGACCTTTCTTCCACGGACTTCTGGGAGCTGTACTGTGCTGTTCCTCTTCCCCAGCGACC[T>C]TCATAAGTGGCAGTTGTGCCAGCCTGCACATGAGAGAAATAAAGTTTAAAGGGGGCATAA-3'
Protein context (NP_001005242.2, residues 110-130): MLKAGTTATY[Glu120=]GRWGRGTAQY

ClinVar aggregate classification (germline): Likely benign. Review status: criteria provided, multiple submitters, no conflicts (2 of 4 stars). 4 submissions from 4 submitters: Likely benign (4). Last evaluated 2025-11-24.

Conditions:
Cardiomyopathy (CMYO). Also called: Cardiomyopathies. Identifiers: Orphanet 167848, MedGen C0878544, MONDO:0004994, HP:0001638. Inheritance: Various modes of inheritance.
Arrhythmogenic right ventricular cardiomyopathy (ARVD). Also called: Arrhythmogenic cardiomyopathy; Cardiomyopathy, ARVC; Arrhythmogenic right ventricular dysplasia; Arrhythmogenic Right Ventricular Cardiomyopathy (ARVC). Identifiers: Orphanet 247, MedGen C0349788, MeSH D019571, MONDO:0016587. Disease mechanism: loss of function. Inheritance: Various modes of inheritance.
Arrhythmogenic right ventricular dysplasia 9 (ARVD9). Also called: Arrhythmogenic Right Ventricular Dysplasia/Cardiomyopathy 9; ARRHYTHMOGENIC RIGHT VENTRICULAR DYSPLASIA, FAMILIAL, 9. Identifiers: MedGen C1836906, MONDO:0012180, OMIM 609040.

Allele frequency attached by ClinVar (database versions not stated): gnomAD exomes below 0.00001 and 0.00003; TOPMed below 0.00001; ExAC 0.00003.
gnomAD v4.1: 6 of 1,612,038 alleles (0.00037%); highest among the groups gnomAD compares: East Asian, 0.011%; no homozygotes.

Submissions (4):

Labcorp Genetics (formerly Invitae), Labcorp
Classification: Likely benign for Arrhythmogenic right ventricular dysplasia 9. Last evaluated: 2025-11-24. Review status: criteria provided, single submitter. Criteria: Invitae Variant Classification Sherloc (09022015). Collection method: clinical testing. Allele origin: germline.

All of Us Research Program, National Institutes of Health
Classification: Likely benign for Arrhythmogenic right ventricular cardiomyopathy. Last evaluated: 2023-04-27. Review status: criteria provided, single submitter. Criteria: ACMG Guidelines, 2015. Collection method: clinical testing. Allele origin: germline. Inheritance: Autosomal dominant inheritance. Observed: 1 variant allele, 1 heterozygote.
Comment: This study involves interpretation of variants in research participants for the purpose of population health screening. Participant phenotype was not available at the time of variant classification. Additional details can be found in publication PMID: 35346344, PMCID: PMC8962531

Color Diagnostics, LLC DBA Color Health
Classification: Likely benign for Cardiomyopathy. Last evaluated: 2018-12-01. Review status: criteria provided, single submitter. Criteria: ACMG Guidelines, 2015. Collection method: clinical testing. Allele origin: germline.

Breakthrough Genomics
Classification: Likely benign. Review status: criteria provided, single submitter. Criteria: ACMG Guidelines, 2015. Collection method: not provided. Allele origin: germline. Inheritance: Autosomal dominant inheritance. Affected: yes.